The following is an entry in ClinVar:

ClinVar aggregate classification (germline): Uncertain significance (1 of 4 stars; one submission).

Allele frequency attached by ClinVar (database versions not stated): TOPMed 0.00001.
gnomAD v4.1: 2 of 1,614,034 alleles (0.00012%); highest among the groups gnomAD compares: Admixed American, 0.0033%; no homozygotes.

Submission:

Labcorp Genetics (formerly Invitae), Labcorp
Classification: Uncertain significance. Last evaluated: 2025-06-02. Review status: criteria provided, single submitter. Criteria: Invitae Variant Classification Sherloc (09022015). Collection method: clinical testing. Allele origin: germline.
Comment: This sequence change replaces glycine, which is neutral and non-polar, with valine, which is neutral and non-polar, at codon 1778 of the CCDC88A protein (p.Gly1778Val). This variant is present in population databases (no rsID available, gnomAD 0.006%). This variant has not been reported in the literature in individuals affected with CCDC88A-related conditions. ClinVar contains an entry for this variant (Variation ID: 1917350). An algorithm developed to predict the effect of missense changes on protein structure and function (PolyPhen-2) suggests that this variant is likely to be disruptive. In summary, the available evidence is currently insufficient to determine the role of this variant in disease. Therefore, it has been classified as a Variant of Uncertain Significance.

NM_001365480.1(CCDC88A):c.5336G>T (p.Gly1779Val)

Gene: CCDC88A (coiled-coil and HOOK domain protein 88A; minus strand). Cytogenetic location: 2p16.1.
Variant type: single nucleotide variant.
Coding change: c.5336G>T on transcript NM_001365480.1 (MANE Select); coding-DNA position 5336, G replaced by T.
Protein change: p.Gly1779Val; replaces glycine 1779 with valine.
Molecular consequence: missense variant. On other transcripts: intron variant (1).
Genome position (GRCh38, 1-based): chr2:55,295,812, C>A on the plus strand (G>T on the coding strand, the complement: CCDC88A is on the minus strand). VCF-style: chr2-55295812-C-A. GRCh37 (hg19) VCF-style: chr2-55522948-C-A.
Other names: c.5333G>T, p.Gly1778Val (NM_001135597.2); c.5252G>T, p.Gly1751Val (NM_018084.5); c.5196-85G>T (NM_001254943.2); short protein forms G1778V, G1751V, G1779V.
Identifiers: ClinVar variation 1917350 (VCV001917350.5), dbSNP rs1423684112, ClinGen allele CA346911706.